The following is an entry in ClinVar:

ClinVar aggregate classification (germline): Uncertain significance. Review status: criteria provided, multiple submitters, no conflicts (2 of 4 stars). 2 submissions from 2 submitters: Uncertain significance (2). Last evaluated 2025-10-06.

Conditions:
MYOCD-related condition.

gnomAD v4.1: 32 of 1,613,950 alleles (0.002%); highest among the groups gnomAD compares: East Asian, 0.0089%; no homozygotes.

Submissions (2):

PreventionGenetics, part of Exact Sciences
Classification: Uncertain significance for MYOCD-related condition. Last evaluated: 2025-10-06. Review status: criteria provided, single submitter. Criteria: ACMG Guidelines, 2015. Collection method: clinical testing. Allele origin: germline.
Comment: The MYOCD c.745C>T variant is predicted to result in the amino acid substitution p.Arg249Cys. To our knowledge, this variant has not been reported in the literature. This variant is reported in 0.016% of alleles in individuals of East Asian descent in gnomAD. At this time, the clinical significance of this variant is uncertain due to the absence of conclusive functional and genetic evidence.

Ambry Genetics
Classification: Uncertain significance. Last evaluated: 2025-04-11. Review status: criteria provided, single submitter. Criteria: Ambry Variant Classification Scheme 2023. Collection method: clinical testing. Allele origin: germline.

NM_001146312.3(MYOCD):c.745C>T (p.Arg249Cys)

Gene: MYOCD (myocardin; plus strand). Cytogenetic location: 17p12.
Variant type: single nucleotide variant.
Coding change: c.745C>T on transcript NM_001146312.3 (MANE Select); coding-DNA position 745, C replaced by T.
Protein change: p.Arg249Cys; replaces arginine 249 with cysteine.
Molecular consequence: missense variant.
Genome position (GRCh38, 1-based): chr17:12,744,210, C>T. VCF-style: chr17-12744210-C-T. GRCh37 (hg19) VCF-style: chr17-12647527-C-T.
Other names: c.508C>T, p.Arg170Cys (NM_001378306.1); c.745C>T, p.Arg249Cys (NM_153604.4); c.745C>T (NM_001146312.2); short protein forms R249C, R170C.
Identifiers: ClinVar variation 3916478 (VCV003916478.2).